The following is an entry in ClinVar:

NM_002734.5(PRKAR1A):c.592G>A (p.Gly198Arg)

Gene: PRKAR1A (protein kinase cAMP-dependent type I regulatory subunit alpha; plus strand). Cytogenetic location: 17q24.2.
Variant type: single nucleotide variant.
Coding change: c.592G>A on transcript NM_002734.5 (MANE Select); coding-DNA position 592, G replaced by A.
Protein change: p.Gly198Arg; replaces glycine 198 with arginine.
Molecular consequence: missense variant.
Genome position (GRCh38, 1-based): chr17:68,525,796, G>A. VCF-style: chr17-68525796-G-A. GRCh37 (hg19) VCF-style: chr17-66521937-G-A.
Other names: c.592G>A, p.Gly198Arg (NM_001276289.2, NM_001276290.1, NM_001278433.2 and 4 more transcripts); short protein forms G198R.
Identifiers: ClinVar variation 3652414 (VCV003652414.2).
Genomic context (GRCh38, chr17:68,525,796, plus strand): 5'-ATGTCACTTGCACTTTAGGTCTATGTTAACAATGAATGGGCAACCAGTGTTGGGGAAGGA[G>A]GGAGCTTTGGAGAACTTGCTTTGATTTATGGAACACCGAGAGCAGCCACTGTCAAAGCAA-3'
Protein context (NP_002725.1, residues 188-208): NEWATSVGEG[Gly198Arg]SFGELALIYG

ClinVar aggregate classification (germline): Uncertain significance (1 of 4 stars; one submission).

Conditions:
Carney complex, type 1 (CNC1). Also called: CARNEY COMPLEX, TYPE I; CARNEY MYXOMA-ENDOCRINE COMPLEX. Identifiers: Orphanet 1359, MedGen C2607929, MONDO:0008057, OMIM 160980.

Submission:

Labcorp Genetics (formerly Invitae), Labcorp
Classification: Uncertain significance for Carney complex, type 1. Last evaluated: 2024-05-06. Review status: criteria provided, single submitter. Criteria: Invitae Variant Classification Sherloc (09022015). Collection method: clinical testing. Allele origin: germline.
Comment: This sequence change replaces glycine, which is neutral and non-polar, with arginine, which is basic and polar, at codon 198 of the PRKAR1A protein (p.Gly198Arg). This variant is not present in population databases (gnomAD no frequency). This variant has not been reported in the literature in individuals affected with PRKAR1A-related conditions. Advanced modeling of protein sequence and biophysical properties (such as structural, functional, and spatial information, amino acid conservation, physicochemical variation, residue mobility, and thermodynamic stability) performed at Invitae indicates that this missense variant is not expected to disrupt PRKAR1A protein function with a negative predictive value of 80%. In summary, the available evidence is currently insufficient to determine the role of this variant in disease. Therefore, it has been classified as a Variant of Uncertain Significance.